The following is an entry in ClinVar:

ClinVar aggregate classification (germline): Uncertain significance. Review status: criteria provided, multiple submitters, no conflicts (2 of 4 stars). 2 submissions from 2 submitters: Uncertain significance (2). Last evaluated 2025-11-11.

Conditions:
Inborn genetic diseases. Identifiers: MedGen C0950123, MeSH D030342.
Fanconi anemia (FA). Also called: Fanconi's anemia. Identifiers: Orphanet 84, MedGen C0015625, MeSH D005199, MONDO:0019391.

Allele frequency attached by ClinVar (database versions not stated): gnomAD exomes below 0.00001; gnomAD 0.00001; TOPMed 0.00002.
gnomAD v4.1: 3 of 1,571,590 alleles (0.00019%); highest among the groups gnomAD compares: African/African-American, 0.0014%; no homozygotes.

Submissions (2):

Ambry Genetics
Classification: Uncertain significance for Inborn genetic diseases. Last evaluated: 2025-11-11. Review status: criteria provided, single submitter. Criteria: Ambry Variant Classification Scheme 2023. Collection method: clinical testing. Allele origin: germline.
Comment: The p.T885A variant (also known as c.2653A>G), located in coding exon 14 of the FANCM gene, results from an A to G substitution at nucleotide position 2653. The threonine at codon 885 is replaced by alanine, an amino acid with similar properties. This amino acid position is conserved. In addition, this alteration is predicted to be tolerated by in silico analysis. Based on the available evidence, the clinical significance of this variant remains unclear.

Labcorp Genetics (formerly Invitae), Labcorp
Classification: Uncertain significance for Fanconi anemia. Last evaluated: 2018-11-07. Review status: criteria provided, single submitter. Criteria: Invitae Variant Classification Sherloc (09022015). Collection method: clinical testing. Allele origin: germline.
Comment: This variant is not present in population databases (ExAC no frequency). In summary, the available evidence is currently insufficient to determine the role of this variant in disease. Therefore, it has been classified as a Variant of Uncertain Significance. Algorithms developed to predict the effect of missense changes on protein structure and function output the following: SIFT: "Tolerated"; PolyPhen-2: "Benign"; Align-GVGD: "Class C0". The alanine amino acid residue is found in multiple mammalian species, suggesting that this missense change does not adversely affect protein function. These predictions have not been confirmed by published functional studies and their clinical significance is uncertain. This variant has not been reported in the literature in individuals with FANCM-related disease. This sequence change replaces threonine with alanine at codon 885 of the FANCM protein (p.Thr885Ala). The threonine residue is weakly conserved and there is a small physicochemical difference between threonine and alanine.

NM_020937.4(FANCM):c.2653A>G (p.Thr885Ala)

Gene: FANCM (FA complementation group M; plus strand). Cytogenetic location: 14q21.2.
Variant type: single nucleotide variant.
Coding change: c.2653A>G on transcript NM_020937.4 (MANE Select); coding-DNA position 2653, A replaced by G.
Protein change: p.Thr885Ala; replaces threonine 885 with alanine.
Molecular consequence: missense variant.
Genome position (GRCh38, 1-based): chr14:45,175,407, A>G. VCF-style: chr14-45175407-A-G. GRCh37 (hg19) VCF-style: chr14-45644610-A-G.
Other names: c.2653A>G (LRG_502t1); c.2575A>G, p.Thr859Ala (NM_001308133.2); short protein forms T859A, T885A.
Identifiers: ClinVar variation 640486 (VCV000640486.9), dbSNP rs1182429346, ClinGen allele CA389598326.